The following is an entry in ClinVar:

ClinVar aggregate classification (germline): Uncertain significance (1 of 4 stars; one submission).

Conditions:
Severe early-onset pulmonary alveolar proteinosis due to MARS deficiency. Also called: PULMONARY ALVEOLAR PROTEINOSIS, REUNION ISLAND; Interstitial lung and liver disease. Identifiers: Orphanet 440427, MedGen C4225400, MONDO:0014206, OMIM 615486.
Charcot-Marie-Tooth disease axonal type 2U. Also called: CHARCOT-MARIE-TOOTH NEUROPATHY, TYPE 2U; CHARCOT-MARIE-TOOTH DISEASE, AXONAL, AUTOSOMAL DOMINANT, TYPE 2U. Identifiers: Orphanet 397735, MedGen C4084821, MONDO:0014566, OMIM 616280.

Allele frequency attached by ClinVar (database versions not stated): gnomAD exomes below 0.00001 and 0.00001; TOPMed 0.00001.
gnomAD v4.1: 8 of 1,579,328 alleles (0.00051%); highest among the groups gnomAD compares: African/African-American, 0.0014%; no homozygotes.

Submission:

Labcorp Genetics (formerly Invitae), Labcorp
Classification: Uncertain significance for Charcot-Marie-Tooth disease axonal type 2U; Severe early-onset pulmonary alveolar proteinosis due to MARS deficiency. Last evaluated: 2022-11-26. Review status: criteria provided, single submitter. Criteria: Invitae Variant Classification Sherloc (09022015). Collection method: clinical testing. Allele origin: germline.
Comment: This variant has not been reported in the literature in individuals affected with MARS-related conditions. This sequence change replaces lysine, which is basic and polar, with asparagine, which is neutral and polar, at codon 895 of the MARS protein (p.Lys895Asn). This variant is present in population databases (no rsID available, gnomAD 0.001%). ClinVar contains an entry for this variant (Variation ID: 1681808). Algorithms developed to predict the effect of missense changes on protein structure and function are either unavailable or do not agree on the potential impact of this missense change (SIFT: "Deleterious"; PolyPhen-2: "Not Available"; Align-GVGD: "Class C0"). In summary, the available evidence is currently insufficient to determine the role of this variant in disease. Therefore, it has been classified as a Variant of Uncertain Significance.

NM_004990.4(MARS1):c.2685A>T (p.Lys895Asn)

Gene: MARS1 (methionyl-tRNA synthetase 1; plus strand). Cytogenetic location: 12q13.3.
Variant type: single nucleotide variant.
Coding change: c.2685A>T on transcript NM_004990.4 (MANE Select); coding-DNA position 2685, A replaced by T.
Protein change: p.Lys895Asn; replaces lysine 895 with asparagine.
Molecular consequence: missense variant.
Genome position (GRCh38, 1-based): chr12:57,516,563, A>T. VCF-style: chr12-57516563-A-T. GRCh37 (hg19) VCF-style: chr12-57910346-A-T.
Other names: short protein forms K895N.
Identifiers: ClinVar variation 1681808 (VCV001681808.6), dbSNP rs1181373475, ClinGen allele CA385469414.